The following is an entry in ClinVar:

ClinVar aggregate classification (germline): Pathogenic. Review status: criteria provided, multiple submitters, no conflicts (2 of 4 stars). 6 submissions from 6 submitters: Pathogenic (4). 2 of the submissions do not count toward it. Last evaluated 2025-11-12.

Conditions:
NEK1-related disorder. Also called: NEK1-related condition.
Amyotrophic lateral sclerosis, susceptibility to, 24. Identifiers: MedGen C4693523, MONDO:0054750, OMIM 617892.
Short-rib thoracic dysplasia 6 with or without polydactyly (SRTD6). Also called: SHORT RIB-POLYDACTYLY SYNDROME, TYPE IIA; SHORT-RIB THORACIC DYSPLASIA 6 WITH POLYDACTYLY; SHORT-RIB THORACIC DYSPLASIA 6 WITHOUT POLYDACTYLY; Majewski Syndrome; POLYDACTYLY WITH NEONATAL CHONDRODYSTROPHY, TYPE II. Identifiers: MedGen C0024507, MONDO:0009894, OMIM 263520.

Allele frequency attached by ClinVar (database versions not stated): ExAC 0.00001; gnomAD exomes 0.00001.
gnomAD v4.1: 11 of 1,611,296 alleles (0.00068%); highest among the groups gnomAD compares: African/African-American, 0.0027%; no homozygotes.

Submissions (6):

3billion
Classification: Pathogenic for Amyotrophic lateral sclerosis, susceptibility to, 24. Last evaluated: 2025-11-12. Review status: criteria provided, single submitter. Criteria: ACMG Guidelines, 2015. Collection method: clinical testing. Allele origin: germline. Affected: yes.
Comment: The variant is observed at an extremely low frequency in the gnomAD v4.1.0 dataset (total allele frequency: <0.001%). Predicted Consequence/Location: Stop-gained (nonsense): predicted to result in a loss or disruption of normal protein function through nonsense-mediated decay (NMD) or protein truncation. Multiple pathogenic variants are reported downstream of the variant. The variant has been reported at least twice as risk factor without evidence for the classification (ClinVar ID: VCV000446667). Therefore, this variant is classified as Risk factor according to the recommendation of ACMG/AMP guideline.

CeGaT Center for Human Genetics Tuebingen
Classification: Pathogenic. Last evaluated: 2025-10-01. Review status: criteria provided, single submitter. Criteria: CeGaT Center For Human Genetics Tuebingen Variant Classification Criteria Version 2. Collection method: clinical testing. Allele origin: germline. Affected: yes. Observed: 1 variant allele.
Comment: NEK1: PVS1, PM2, PS4:Supporting

PreventionGenetics, part of Exact Sciences
Classification: Pathogenic for NEK1-related condition. Last evaluated: 2025-07-28. Review status: criteria provided, single submitter. Criteria: ACMG Guidelines, 2015. Collection method: clinical testing. Allele origin: germline.
Comment: The NEK1 c.1618C>T variant is predicted to result in premature protein termination (p.Arg540*). This variant was reported along with a second premature termination variant in a patient with short-rib thoracic dysplasia type II (Table S2, Zhang et al. 2017. PubMed ID: 29068549). This variant is reported in 0.0065% of alleles in individuals of African descent in gnomAD, including 11 heterozygous individuals in gnomAD v4 (available only on GRCh38). Nonsense variants in NEK1 are expected to be pathogenic. This variant is interpreted as pathogenic.

Genetic Services Laboratory, University of Chicago
Classification: Pathogenic. Last evaluated: 2024-12-19. Review status: criteria provided, single submitter. Criteria: ACMG Guidelines, 2015. Collection method: clinical testing. Allele origin: germline. Affected: yes.
Comment: DNA sequence analysis of the NEK1 gene demonstrated a sequence change, c.1618C>T, which results in the creation of a premature stop codon at amino acid position 540, p.Arg540*. This sequence change is predicted to result in an abnormal transcript, which may be degraded, or may lead to the production of a truncated NEK1 protein with potentially abnormal function. This particular sequence change has been described in the compound heterozygous state in an individual with short rib thoracic dysplasia (PMID: 29068549) and in individuals with suspected familial amyotrophic lateral sclerosis (ALS) (PMIDs: 26945885, 27455347). This sequence change has been described in the gnomAD database with a frequency of 0.0065% in the African/African-American subpopulation (dbSNP rs758677637). Cell models of the p.Arg540* sequence change demonstrate defects in microtubule dynamics and cytoskeleton and nucleocytoplasmic transport versus wild-type NEK1 protein (PMID: 37585529). Taken together, the available evidence indicates that this sequence change is pathogenic.

Dan Cohn Lab, University Of California Los Angeles
Classification: Pathogenic for Short-rib thoracic dysplasia 6 with or without polydactyly. Last evaluated: 2017-06-01. Review status: no assertion criteria provided. Collection method: research. Allele origin: maternal. Affected: yes. Not counted in ClinVar's aggregate classification.

University of Washington Center for Mendelian Genomics, University of Washington
Classification: Likely pathogenic for short-rib polydactyly syndrome type II. Review status: no assertion criteria provided. Collection method: research. Allele origin: inherited. Affected: yes. Not counted in ClinVar's aggregate classification.

Literature cited by the submitters: PubMed 29068549 (cited by Dan Cohn Lab, University Of California Los Angeles and University of Washington Center for Mendelian Genomics, University of Washington).

NM_001199397.3(NEK1):c.1618C>T (p.Arg540Ter)

Gene: NEK1 (NIMA related kinase 1; minus strand). Cytogenetic location: 4q33.
Variant type: single nucleotide variant.
Coding change: c.1618C>T on transcript NM_001199397.3 (MANE Select); coding-DNA position 1618, C replaced by T.
Protein change: p.Arg540Ter; replaces arginine 540 with a stop codon.
Molecular consequence: nonsense. On other transcripts: non-coding transcript variant (1).
Genome position (GRCh38, 1-based): chr4:169,537,856, G>A on the plus strand (C>T on the coding strand, the complement: NEK1 is on the minus strand). VCF-style: chr4-169537856-G-A. GRCh37 (hg19) VCF-style: chr4-170459007-G-A.
Other names: c.1618C>T (NM_012224.2); c.1486C>T, p.Arg496Ter (NM_001199398.3, NM_001199400.3); c.1411C>T, p.Arg471Ter (NM_001199399.3); c.1618C>T, p.Arg540Ter (NM_001374418.1, NM_001374419.1, NM_012224.4); c.1567C>T, p.Arg523Ter (NM_001374420.1); c.1492C>T, p.Arg498Ter (NM_001374421.1); short protein forms R540*, R471*, R496*, R498*, R523*.
Identifiers: ClinVar variation 446667 (VCV000446667.12), dbSNP rs758677637, ClinGen allele CA3137684.